The following is an entry in ClinVar:

ClinVar aggregate classification (germline): Uncertain significance (1 of 4 stars; one submission).

Conditions:
Neurofibromatosis, type 1 (NF1). Also called: VON RECKLINGHAUSEN DISEASE; Neurofibromatosis, type I; NEUROFIBROMATOSIS, TYPE I, SOMATIC; Peripheral type neurofibromatosis. Identifiers: Orphanet 636, MedGen C0027831, MONDO:0018975, OMIM 162200. Disease mechanism: loss of function.

Allele frequency attached by ClinVar (database versions not stated): gnomAD exomes below 0.00001.

Submission:

Labcorp Genetics (formerly Invitae), Labcorp
Classification: Uncertain significance for Neurofibromatosis, type 1. Last evaluated: 2025-11-11. Review status: criteria provided, single submitter. Criteria: Invitae Variant Classification Sherloc (09022015). Collection method: clinical testing. Allele origin: germline.
Comment: This sequence change replaces methionine, which is neutral and non-polar, with valine, which is neutral and non-polar, at codon 1134 of the NF1 protein (p.Met1134Val). This variant is not present in population databases (gnomAD no frequency). This variant has not been reported in the literature in individuals affected with NF1-related conditions. ClinVar contains an entry for this variant (Variation ID: 650592). Invitae Evidence Modeling of protein sequence and biophysical properties (such as structural, functional, and spatial information, amino acid conservation, physicochemical variation, residue mobility, and thermodynamic stability) has been performed for this missense variant. However, the output from this modeling did not meet the statistical confidence thresholds required to predict the impact of this variant on NF1 protein function. In summary, the available evidence is currently insufficient to determine the role of this variant in disease. Therefore, it has been classified as a Variant of Uncertain Significance.

NM_001042492.3(NF1):c.3400A>G (p.Met1134Val)

Gene: NF1 (neurofibromin 1; plus strand). Cytogenetic location: 17q11.2.
Variant type: single nucleotide variant.
Coding change: c.3400A>G on transcript NM_001042492.3 (MANE Select); coding-DNA position 3400, A replaced by G.
Protein change: p.Met1134Val; replaces methionine 1134 with valine.
Molecular consequence: missense variant.
Genome position (GRCh38, 1-based): chr17:31,232,785, A>G. VCF-style: chr17-31232785-A-G. GRCh37 (hg19) VCF-style: chr17-29559803-A-G.
Other names: c.3400A>G, p.Met1134Val (NM_000267.4); short protein forms M1134V.
Identifiers: ClinVar variation 650592 (VCV000650592.5), dbSNP rs1597719532, ClinGen allele CA398989149.